The following is an entry in ClinVar:

ClinVar aggregate classification (germline): Uncertain significance (1 of 4 stars; one submission).

Submission:

Ambry Genetics
Classification: Uncertain significance. Last evaluated: 2026-07-11. Review status: criteria provided, single submitter. Criteria: Ambry Variant Classification Scheme 2023. Collection method: clinical testing. Allele origin: germline.
Comment: The p.L336P variant (also known as c.1007T>C), located in coding exon 1 of the MLH3 gene, results from a T to C substitution at nucleotide position 1007. The leucine at codon 336 is replaced by proline, an amino acid with similar properties. This amino acid position is conserved. In addition, the in silico prediction for this alteration is inconclusive. Based on the available evidence, the clinical significance of this variant remains unclear.

NM_001040108.2(MLH3):c.1007T>C (p.Leu336Pro)

Gene: MLH3 (mutL homolog 3; minus strand). Cytogenetic location: 14q24.3.
Variant type: single nucleotide variant.
Coding change: c.1007T>C on transcript NM_001040108.2 (MANE Select); coding-DNA position 1007, T replaced by C.
Protein change: p.Leu336Pro; replaces leucine 336 with proline.
Molecular consequence: missense variant.
Genome position (GRCh38, 1-based): chr14:75,048,649, A>G on the plus strand (T>C on the coding strand, the complement: MLH3 is on the minus strand). VCF-style: chr14-75048649-A-G. GRCh37 (hg19) VCF-style: chr14-75515352-A-G.
Other names: c.1007T>C, p.Leu336Pro (NM_014381.3); short protein forms L336P.
Identifiers: ClinVar variation 5024547 (VCV005024547.1).